The following is an entry in ClinVar:

NM_002473.6(MYH9):c.4637A>G (p.Asp1546Gly)

Gene: MYH9 (myosin heavy chain 9; minus strand). Cytogenetic location: 22q12.3.
Variant type: single nucleotide variant.
Coding change: c.4637A>G on transcript NM_002473.6 (MANE Select); coding-DNA position 4637, A replaced by G.
Protein change: p.Asp1546Gly; replaces aspartic acid 1546 with glycine.
Molecular consequence: missense variant.
Genome position (GRCh38, 1-based): chr22:36,288,860, T>C on the plus strand (A>G on the coding strand, the complement: MYH9 is on the minus strand). VCF-style: chr22-36288860-T-C. GRCh37 (hg19) VCF-style: chr22-36684906-T-C.
Other names: short protein forms D1546G.
Identifiers: ClinVar variation 2502521 (VCV002502521.1), dbSNP rs2517953872, ClinGen allele CA411378040.

ClinVar aggregate classification (germline): Uncertain significance (1 of 4 stars; one submission).

Submission:

GeneDx
Classification: Uncertain significance. Last evaluated: 2022-11-17. Review status: criteria provided, single submitter. Criteria: GeneDx Variant Classification Process June 2021. Collection method: clinical testing. Allele origin: germline. Affected: yes.
Comment: Not observed at significant frequency in large population cohorts (gnomAD); In silico analysis supports that this missense variant has a deleterious effect on protein structure/function; Has not been previously published as pathogenic or benign to our knowledge